The following is an entry in ClinVar:

ClinVar aggregate classification (germline): Uncertain significance (1 of 4 stars; one submission).

Conditions:
Hereditary nonpolyposis colorectal neoplasms. Identifiers: MedGen C0009405, MeSH D003123.

Submission:

Labcorp Genetics (formerly Invitae), Labcorp
Classification: Uncertain significance for Hereditary nonpolyposis colorectal neoplasms. Last evaluated: 2023-09-04. Review status: criteria provided, single submitter. Criteria: Invitae Variant Classification Sherloc (09022015). Collection method: clinical testing. Allele origin: germline.
Comment: In summary, the available evidence is currently insufficient to determine the role of this variant in disease. Therefore, it has been classified as a Variant of Uncertain Significance. Advanced modeling of protein sequence and biophysical properties (such as structural, functional, and spatial information, amino acid conservation, physicochemical variation, residue mobility, and thermodynamic stability) performed at Invitae indicates that this missense variant is not expected to disrupt MSH6 protein function. This variant has not been reported in the literature in individuals affected with MSH6-related conditions. This variant is not present in population databases (gnomAD no frequency). This sequence change replaces glycine, which is neutral and non-polar, with cysteine, which is neutral and slightly polar, at codon 529 of the MSH6 protein (p.Gly529Cys).

NM_000179.3(MSH6):c.1585G>T (p.Gly529Cys)

Gene: MSH6 (mutS homolog 6; plus strand). Cytogenetic location: 2p16.3.
Variant type: single nucleotide variant.
Coding change: c.1585G>T on transcript NM_000179.3 (MANE Select); coding-DNA position 1585, G replaced by T.
Protein change: p.Gly529Cys; replaces glycine 529 with cysteine.
Molecular consequence: missense variant. On other transcripts: non-coding transcript variant (4), intron variant (1).
Genome position (GRCh38, 1-based): chr2:47,799,568, G>T. VCF-style: chr2-47799568-G-T. GRCh37 (hg19) VCF-style: chr2-48026707-G-T.
Other names: c.679G>T, p.Gly227Cys (NM_001406815.1, NM_001406816.1, NM_001406823.1 and 6 more transcripts); c.1585G>T, p.Gly529Cys (NM_001406817.1, NM_001406796.1, NM_001406798.1 and 4 more transcripts); c.1288G>T, p.Gly430Cys (NM_001406818.1, NM_001406819.1, NM_001406820.1 and 10 more transcripts); c.1195G>T, p.Gly399Cys (NM_001281492.2); c.1681G>T, p.Gly561Cys (NM_001406795.1, NM_001406802.1); c.1060G>T, p.Gly354Cys (NM_001406799.1, NM_001406806.1, NM_001406807.1); c.1507G>T, p.Gly503Cys (NM_001406804.1); c.1591G>T, p.Gly531Cys (NM_001406813.1); and 2 more; short protein forms G503C, G531C, G561C, G227C, G430C, G473C, G354C, G399C.
Identifiers: ClinVar variation 2757413 (VCV002757413.3), dbSNP rs1457286684, ClinGen allele CA346746880.